The following is an entry in ClinVar:

ClinVar aggregate classification (germline): Likely benign. Review status: criteria provided, multiple submitters, no conflicts (2 of 4 stars). 3 submissions from 3 submitters: Likely benign (3). Last evaluated 2025-08-11.

Conditions:
Cardiovascular phenotype. Identifiers: MedGen CN230736.
Dilated cardiomyopathy 1G (CMD1G). Identifiers: Orphanet 154, MedGen C1858763, MONDO:0011400, OMIM 604145.
Autosomal recessive limb-girdle muscular dystrophy type 2J (LGMDR10). Also called: Limb-girdle muscular dystrophy, type 2J; MUSCULAR DYSTROPHY, LIMB-GIRDLE, AUTOSOMAL RECESSIVE 10. Identifiers: Orphanet 140922, MedGen C1837342, MONDO:0012127, OMIM 608807.

Allele frequency attached by ClinVar (database versions not stated): gnomAD exomes 0.00001; ExAC 0.00002; gnomAD 0.00003; TOPMed 0.00005; ESP Exome Variant Server 0.00008.
gnomAD v4.1: 22 of 1,611,722 alleles (0.0014%); highest among the groups gnomAD compares: African/African-American, 0.011%; no homozygotes.

Submissions (3):

Labcorp Genetics (formerly Invitae), Labcorp
Classification: Likely benign for Dilated cardiomyopathy 1G; Autosomal recessive limb-girdle muscular dystrophy type 2J. Last evaluated: 2025-08-11. Review status: criteria provided, single submitter. Criteria: Invitae Variant Classification Sherloc (09022015). Collection method: clinical testing. Allele origin: germline.

Ambry Genetics
Classification: Likely benign for Cardiovascular phenotype. Last evaluated: 2024-08-23. Review status: criteria provided, single submitter. Criteria: Ambry Variant Classification Scheme 2023. Collection method: clinical testing. Allele origin: germline.

Women's Health and Genetics/Laboratory Corporation of America, LabCorp
Classification: Likely benign. Last evaluated: 2023-11-13. Review status: criteria provided, single submitter. Criteria: LabCorp Variant Classification Summary - May 2015. Collection method: clinical testing. Allele origin: germline.
Comment: Variant summary: TTN c.82092C>T alters a non-conserved nucleotide resulting in a synonymous change. Consensus agreement among computation tools predict no significant impact on normal splicing. However, these predictions have yet to be confirmed by functional studies. The variant allele was found at a frequency of 8.1e-06 in 247740 control chromosomes (gnomAD). The available data on variant occurrences in the general population are insufficient to allow any conclusion about variant significance. To our knowledge, no occurrence of c.82092C>T in individuals affected with Limb-Girdle Muscular Dystrophy, Type 2J and no experimental evidence demonstrating its impact on protein function have been reported. One submitter has cited a clinical-significance assessment for this variant to ClinVar after 2014 and has classified the variant as likely benign. Based on the evidence outlined above, the variant was classified as likely benign.

NM_001267550.2(TTN):c.89796C>T (p.Asp29932=)

Genes: TTN-AS1 (TTN antisense RNA 1; plus strand), TTN (titin; minus strand). Cytogenetic location: 2q31.2.
Variant type: single nucleotide variant.
Coding change: c.89796C>T on transcript NM_001267550.2 (MANE Select); coding-DNA position 89796, C replaced by T.
Protein change: p.Asp29932=; no amino-acid change (aspartic acid 29932 retained).
Molecular consequence: synonymous variant.
Genome position (GRCh38, 1-based): chr2:178,553,104, G>A on the plus strand (C>T on the coding strand, the complement: TTN is on the minus strand). VCF-style: chr2-178553104-G-A. GRCh37 (hg19) VCF-style: chr2-179417831-G-A.
Other names: c.84873C>T, p.Asp28291= (NM_001256850.1); c.62601C>T, p.Asp20867= (NM_003319.4); c.82092C>T, p.Asp27364= (NM_133378.4); c.62976C>T, p.Asp20992= (NM_133432.3); c.63177C>T, p.Asp21059= (NM_133437.4).
Identifiers: ClinVar variation 695919 (VCV000695919.10), dbSNP rs376478710, ClinGen allele CA1987866.